The following is an entry in ClinVar:

NM_001042492.3(NF1):c.3900_3902del (p.Leu1301del)

Gene: NF1 (neurofibromin 1; plus strand). Cytogenetic location: 17q11.2.
Variant type: Deletion.
Coding change: c.3900_3902del on transcript NM_001042492.3 (MANE Select); coding-DNA positions 3900 to 3902, 3 bases deleted (CCT; older notation c.3900_3902delCCT).
Protein change: p.Leu1301del; deletes leucine 1301.
Molecular consequence: inframe deletion. On other transcripts: inframe indel (1).
Genome position (GRCh38, 1-based): chr17:31,235,947-31,235,949, CCT deleted; deleting any 3 consecutive bases within chr17:31,235,945-31,235,949 gives the same sequence; the c. name uses the placement nearest the transcript's 3' end. VCF-style (leftmost placement, unchanged base first): chr17-31235944-ACTC-A. GRCh37 (hg19) VCF-style: chr17-29562962-ACTC-A.
Other names: c.3900_3902delCCT, p.Leu1301del (NM_000267.4); short protein forms L1301del.
Identifiers: ClinVar variation 863428 (VCV000863428.6), dbSNP rs2067193878, ClinGen allele CA916080626.

ClinVar aggregate classification (germline): Uncertain significance (1 of 4 stars; one submission).

Conditions:
Neurofibromatosis, type 1 (NF1). Also called: Neurofibromatosis, type I; VON RECKLINGHAUSEN DISEASE; Peripheral type neurofibromatosis; NEUROFIBROMATOSIS, TYPE I, SOMATIC. Identifiers: Orphanet 636, MedGen C0027831, MONDO:0018975, OMIM 162200. Disease mechanism: loss of function.

Submission:

Labcorp Genetics (formerly Invitae), Labcorp
Classification: Uncertain significance for Neurofibromatosis, type 1. Last evaluated: 2024-09-03. Review status: criteria provided, single submitter. Criteria: Invitae Variant Classification Sherloc (09022015). Collection method: clinical testing. Allele origin: germline.
Comment: This variant, c.3900_3902del, results in the deletion of 1 amino acid(s) of the NF1 protein (p.Leu1301del), but otherwise preserves the integrity of the reading frame. This variant is not present in population databases (gnomAD no frequency). This variant has not been reported in the literature in individuals affected with NF1-related conditions. ClinVar contains an entry for this variant (Variation ID: 863428). Experimental studies and prediction algorithms are not available or were not evaluated, and the functional significance of this variant is currently unknown. In summary, the available evidence is currently insufficient to determine the role of this variant in disease. Therefore, it has been classified as a Variant of Uncertain Significance.